The following is an entry in ClinVar:

NM_203447.4(DOCK8):c.2440+13_2440+22del

Gene: DOCK8 (dedicator of cytokinesis 8; plus strand). Cytogenetic location: 9p24.3.
Variant type: Deletion.
Coding change: c.2440+13_2440+22del on transcript NM_203447.4 (MANE Select); bases 13 to 22 of the intron after coding-DNA position 2440, 10 bases deleted (AGGGCTGGGC; older notation c.2440+13_2440+22delAGGGCTGGGC).
Molecular consequence: intron variant.
Genome position (GRCh38, 1-based): chr9:377,224-377,233, AGGGCTGGGC deleted; deleting any 10 consecutive bases within chr9:377,222-377,233 gives the same sequence; the c. name uses the placement nearest the transcript's 3' end. VCF-style (leftmost placement, unchanged base first): chr9-377221-TGCAGGGCTGG-T. GRCh37 (hg19) VCF-style: chr9-377221-TGCAGGGCTGG-T.
Other names: c.2440+13_2440+22delAGGGCTGGGC (NM_203447.3); c.2236+13_2236+22del (NM_001193536.2, NM_001190458.2).
Identifiers: ClinVar variation 420638 (VCV000420638.15), dbSNP rs769837178, ClinGen allele CA4958190.

ClinVar aggregate classification (germline): Conflicting classifications of pathogenicity. Review status: criteria provided, conflicting classifications (1 of 4 stars). 4 submissions from 4 submitters: Uncertain significance (1); Likely benign (3). Last evaluated 2026-02-01.

Conditions:
Combined immunodeficiency due to DOCK8 deficiency (HIES2). Also called: HIES autosomal recessive; HYPER-IgE SYNDROME 2, AUTOSOMAL RECESSIVE, WITH RECURRENT INFECTIONS; Hyper-IgE recurrent infection syndrome, autosomal recessive; HYPER-IgE RECURRENT INFECTION SYNDROME 2, AUTOSOMAL RECESSIVE; DOCK8 Deficiency. Identifiers: Orphanet 217390, MedGen C4722305, MONDO:0009478, OMIM 243700.

Submissions (4):

Labcorp Genetics (formerly Invitae), Labcorp
Classification: Likely benign for Combined immunodeficiency due to DOCK8 deficiency. Last evaluated: 2026-02-01. Review status: criteria provided, single submitter. Criteria: Invitae Variant Classification Sherloc (09022015). Collection method: clinical testing. Allele origin: germline.

Blueprint Genetics
Classification: Likely benign. Last evaluated: 2024-11-18. Review status: criteria provided, single submitter. Criteria: ACMG Guidelines, 2015. Collection method: clinical testing. Allele origin: germline.

Genetic Services Laboratory, University of Chicago
Classification: Uncertain significance. Last evaluated: 2020-04-20. Review status: criteria provided, single submitter. Criteria: ACMG Guidelines, 2015. Collection method: clinical testing. Allele origin: germline. Affected: no.

GeneDx
Classification: Likely benign. Last evaluated: 2016-03-07. Review status: criteria provided, single submitter. Criteria: GeneDx Variant Classification (06012015). Collection method: clinical testing. Allele origin: germline. Affected: yes.
Comment: This variant is considered likely benign or benign based on one or more of the following criteria: it is a conservative change, it occurs at a poorly conserved position in the protein, it is predicted to be benign by multiple in silico algorithms, and/or has population frequency not consistent with disease.